The following is an entry in ClinVar:

ClinVar aggregate classification (germline): Uncertain significance (1 of 4 stars; one submission).

Submission:

Labcorp Genetics (formerly Invitae), Labcorp
Classification: Uncertain significance. Last evaluated: 2022-04-18. Review status: criteria provided, single submitter. Criteria: Invitae Variant Classification Sherloc (09022015). Collection method: clinical testing. Allele origin: germline.
Comment: In summary, the available evidence is currently insufficient to determine the role of this variant in disease. Therefore, it has been classified as a Variant of Uncertain Significance. Algorithms developed to predict the effect of sequence changes on RNA splicing suggest that this variant may create or strengthen a splice site. This variant has not been reported in the literature in individuals affected with CPLANE1-related conditions. This variant is not present in population databases (gnomAD no frequency). This sequence change falls in intron 46 of the CPLANE1 gene. It does not directly change the encoded amino acid sequence of the CPLANE1 protein.

NM_001384732.1(CPLANE1):c.8958+19G>A

Gene: CPLANE1 (ciliogenesis and planar polarity effector complex subunit 1; minus strand). Cytogenetic location: 5p13.2.
Variant type: single nucleotide variant.
Coding change: c.8958+19G>A on transcript NM_001384732.1 (MANE Select); 19 bases into the intron after coding-DNA position 8958, G replaced by A.
Molecular consequence: intron variant.
Genome position (GRCh38, 1-based): chr5:37,125,225, C>T on the plus strand (G>A on the coding strand, the complement: CPLANE1 is on the minus strand). VCF-style: chr5-37125225-C-T. GRCh37 (hg19) VCF-style: chr5-37125327-C-T.
Other names: c.8796+19G>A (NM_023073.4).
Identifiers: ClinVar variation 2085328 (VCV002085328.4), dbSNP rs2546715315, ClinGen allele CA2580073227.
Genomic context (GRCh38, chr5:37,125,225, plus strand): 5'-AATCTTTTTCTTAAAATTTTGCCAGGAAAGTAATTACACATATTCTGTAATTCCATTACC[C>T]TTGACATGGCAGACTTACTGGATTGCTTCTGGGACAGAAAGGATCATGTTCTTGCCCTCT-3'